The following is an entry in ClinVar:

NM_001033855.3(DCLRE1C):c.1903A>T (p.Ser635Cys)

Gene: DCLRE1C (DNA cross-link repair 1C; minus strand). Cytogenetic location: 10p13.
Variant type: single nucleotide variant.
Coding change: c.1903A>T on transcript NM_001033855.3 (MANE Select); coding-DNA position 1903, A replaced by T.
Protein change: p.Ser635Cys; replaces serine 635 with cysteine.
Molecular consequence: missense variant. On other transcripts: non-coding transcript variant (3), intron variant (3).
Genome position (GRCh38, 1-based): chr10:14,908,584, T>A on the plus strand (A>T on the coding strand, the complement: DCLRE1C is on the minus strand). VCF-style: chr10-14908584-T-A. GRCh37 (hg19) VCF-style: chr10-14950583-T-A.
Other names: c.1543A>T, p.Ser515Cys (NM_001033857.3, NM_001033858.3, NM_001289077.2 and 1 more transcripts); c.1558A>T, p.Ser520Cys (NM_001289076.2, NM_001289078.2, NM_022487.4); c.1437+121A>T (NM_001350966.2); c.1782+121A>T (NM_001350965.2); c.1422+121A>T (NM_001350967.2); c.1903A>T (NM_001033855.1); short protein forms S520C, S635C, S515C.
Identifiers: ClinVar variation 650022 (VCV000650022.8), dbSNP rs1051813612, ClinGen allele CA203428078.

ClinVar aggregate classification (germline): Uncertain significance. Review status: criteria provided, multiple submitters, no conflicts (2 of 4 stars). 3 submissions from 3 submitters: Uncertain significance (2). 1 of the submissions does not count toward it. Last evaluated 2025-08-02.

Conditions:
Athabaskan severe combined immunodeficiency (SCIDA). Also called: Severe combined immunodeficiency, athabascan-type. Identifiers: MedGen C1865370.
Severe combined immunodeficiency due to DCLRE1C deficiency (RS-SCID). Also called: SCID, AUTOSOMAL RECESSIVE, T CELL-NEGATIVE, B CELL-NEGATIVE, NK CELL-POSITIVE, WITH SENSITIVITY TO IONIZING RADIATION. Identifiers: Orphanet 275, MedGen C1865371, MONDO:0011225, OMIM 602450.
Inborn genetic diseases. Identifiers: MedGen C0950123, MeSH D030342.

Allele frequency attached by ClinVar (database versions not stated): TOPMed 0.00005; gnomAD 0.00001.
gnomAD v4.1: 11 of 1,613,980 alleles (0.00068%); highest among the groups gnomAD compares: Admixed American, 0.005%; no homozygotes.

Submissions (3):

Ambry Genetics
Classification: Uncertain significance for Inborn genetic diseases. Last evaluated: 2025-08-02. Review status: criteria provided, single submitter. Criteria: Ambry Variant Classification Scheme 2023. Collection method: clinical testing. Allele origin: germline.

Labcorp Genetics (formerly Invitae), Labcorp
Classification: Uncertain significance for Athabaskan severe combined immunodeficiency. Last evaluated: 2021-08-28. Review status: criteria provided, single submitter. Criteria: Invitae Variant Classification Sherloc (09022015). Collection method: clinical testing. Allele origin: germline.
Comment: This sequence change replaces serine with cysteine at codon 635 of the DCLRE1C protein (p.Ser635Cys). The serine residue is weakly conserved and there is a moderate physicochemical difference between serine and cysteine. This variant is not present in population databases (ExAC no frequency). This variant has not been reported in the literature in individuals affected with DCLRE1C-related conditions. Algorithms developed to predict the effect of missense changes on protein structure and function (SIFT, PolyPhen-2, Align-GVGD) all suggest that this variant is likely to be tolerated. In summary, the available evidence is currently insufficient to determine the role of this variant in disease. Therefore, it has been classified as a Variant of Uncertain Significance.

Natera, Inc.
Classification: Uncertain significance for Athabascan severe combined immunodeficiency. Last evaluated: 2020-08-01. Review status: no assertion criteria provided. Collection method: clinical testing. Allele origin: germline. Not counted in ClinVar's aggregate classification.